The following is an entry in ClinVar:

NM_021120.4(DLG3):c.1829A>G (p.Glu610Gly)

Gene: DLG3 (discs large MAGUK scaffold protein 3; plus strand). Cytogenetic location: Xq13.1.
Variant type: single nucleotide variant.
Coding change: c.1829A>G on transcript NM_021120.4 (MANE Select); coding-DNA position 1829, A replaced by G.
Protein change: p.Glu610Gly; replaces glutamic acid 610 with glycine.
Molecular consequence: missense variant.
Genome position (GRCh38, 1-based): chrX:70,498,529, A>G. VCF-style: chrX-70498529-A-G. GRCh37 (hg19) VCF-style: chrX-69718379-A-G.
Other names: c.476A>G, p.Glu159Gly (NM_001166278.2); c.914A>G, p.Glu305Gly (NM_020730.3); short protein forms E610G, E159G, E305G.
Identifiers: ClinVar variation 420256 (VCV000420256.2), dbSNP rs1064794376, ClinGen allele CA16621480.

ClinVar aggregate classification (germline): Uncertain significance (1 of 4 stars; one submission).

Submission:

GeneDx
Classification: Uncertain significance. Last evaluated: 2015-12-15. Review status: criteria provided, single submitter. Criteria: GeneDx Variant Classification (06012015). Collection method: clinical testing. Allele origin: germline. Affected: yes.
Comment: The E610G variant in the DLG3 gene has not been reported previously as a pathogenic variant, nor as a benign variant, to our knowledge. The E610G variant was not observed in approximately 6,500 individuals of European and African American ancestry in the NHLBI Exome Sequencing Project, indicating it is not a common benign variant in these populations. The E610G variant is a non-conservative amino acid substitution, which is likely to impact secondary protein structure as these residues differ in polarity, charge, size and/or other properties. This substitution occurs at a position that is conserved across species. In silico analysis is inconsistent in its predictions as to whether or not the variant is damaging to the protein structure/function. We interpret E610G as a variant of uncertain significance.